The following is an entry in ClinVar:

NM_006270.5(RRAS):c.1A>T (p.Met1Leu)

Gene: RRAS (RAS related; minus strand). Cytogenetic location: 19q13.33.
Variant type: single nucleotide variant.
Coding change: c.1A>T on transcript NM_006270.5 (MANE Select); coding-DNA position 1, A replaced by T.
Protein change: p.Met1Leu; changes the start codon (methionine 1).
Molecular consequence: missense variant, initiator codon variant.
Genome position (GRCh38, 1-based): chr19:49,640,098, T>A on the plus strand (A>T on the coding strand, the complement: RRAS is on the minus strand). VCF-style: chr19-49640098-T-A. GRCh37 (hg19) VCF-style: chr19-50143355-T-A.
Other names: short protein forms M1L.
Identifiers: ClinVar variation 2137439 (VCV002137439.5), dbSNP rs934417178, ClinGen allele CA309508482.

ClinVar aggregate classification (germline): Uncertain significance (1 of 4 stars; one submission).

Conditions:
Noonan syndrome (NS). Also called: Noonan's syndrome. Identifiers: Orphanet 648, MedGen C0028326, MeSH D009634, MONDO:0018997. Disease mechanism: gain of function.

Submission:

Labcorp Genetics (formerly Invitae), Labcorp
Classification: Uncertain significance for Noonan syndrome. Last evaluated: 2025-02-02. Review status: criteria provided, single submitter. Criteria: Invitae Variant Classification Sherloc (09022015). Collection method: clinical testing. Allele origin: germline.
Comment: This sequence change affects the initiator methionine of the RRAS mRNA. The next in-frame methionine is located at codon 93. This variant is present in population databases (no rsID available, gnomAD 0.09%), and has an allele count higher than expected for a pathogenic variant. This variant has not been reported in the literature in individuals affected with RRAS-related conditions. ClinVar contains an entry for this variant (Variation ID: 2137439). Experimental studies and prediction algorithms are not available or were not evaluated, and the functional significance of this variant is currently unknown. In summary, the available evidence is currently insufficient to determine the role of this variant in disease. Therefore, it has been classified as a Variant of Uncertain Significance.